The following is an entry in ClinVar:

ClinVar aggregate classification (germline): Uncertain significance (1 of 4 stars; one submission).

Submission:

GeneDx
Classification: Uncertain significance. Last evaluated: 2025-08-08. Review status: criteria provided, single submitter. Criteria: GeneDx Variant Classification Process June 2021. Collection method: clinical testing. Allele origin: germline. Affected: yes.
Comment: Not observed at significant frequency in large population cohorts (gnomAD); In silico analysis suggests that this missense variant does not alter protein structure/function; Has not been previously published as pathogenic or benign to our knowledge

NM_014991.6(WDFY3):c.7328G>T (p.Arg2443Leu)

Gene: WDFY3 (WD repeat and FYVE domain containing 3; minus strand). Cytogenetic location: 4q21.23.
Variant type: single nucleotide variant.
Coding change: c.7328G>T on transcript NM_014991.6 (MANE Select); coding-DNA position 7328, G replaced by T.
Protein change: p.Arg2443Leu; replaces arginine 2443 with leucine.
Molecular consequence: missense variant.
Genome position (GRCh38, 1-based): chr4:84,724,539, C>A on the plus strand (G>T on the coding strand, the complement: WDFY3 is on the minus strand). VCF-style: chr4-84724539-C-A. GRCh37 (hg19) VCF-style: chr4-85645692-C-A.
Other names: short protein forms R2443L.
Identifiers: ClinVar variation 4756021 (VCV004756021.1).